The following is an entry in ClinVar:

ClinVar aggregate classification (germline): Uncertain significance (1 of 4 stars; one submission).

Conditions:
Dyskeratosis congenita. Identifiers: Orphanet 1775, MedGen C0265965, MONDO:0015780.

Allele frequency attached by ClinVar (database versions not stated): gnomAD exomes below 0.00001.

Submission:

Labcorp Genetics (formerly Invitae), Labcorp
Classification: Uncertain significance for Dyskeratosis congenita. Last evaluated: 2022-03-11. Review status: criteria provided, single submitter. Criteria: Invitae Variant Classification Sherloc (09022015). Collection method: clinical testing. Allele origin: germline.
Comment: In summary, the available evidence is currently insufficient to determine the role of this variant in disease. Therefore, it has been classified as a Variant of Uncertain Significance. Algorithms developed to predict the effect of missense changes on protein structure and function are either unavailable or do not agree on the potential impact of this missense change (SIFT: "Deleterious"; PolyPhen-2: "Benign"; Align-GVGD: "Class C0"). This variant has not been reported in the literature in individuals affected with TINF2-related conditions. This variant is not present in population databases (gnomAD no frequency). This sequence change replaces methionine, which is neutral and non-polar, with arginine, which is basic and polar, at codon 177 of the TINF2 protein (p.Met177Arg).

NM_001099274.3(TINF2):c.530T>G (p.Met177Arg)

Gene: TINF2 (TERF1 interacting nuclear factor 2; minus strand). Cytogenetic location: 14q12.
Variant type: single nucleotide variant.
Coding change: c.530T>G on transcript NM_001099274.3 (MANE Select); coding-DNA position 530, T replaced by G.
Protein change: p.Met177Arg; replaces methionine 177 with arginine.
Molecular consequence: missense variant.
Genome position (GRCh38, 1-based): chr14:24,241,094, A>C on the plus strand (T>G on the coding strand, the complement: TINF2 is on the minus strand). VCF-style: chr14-24241094-A-C. GRCh37 (hg19) VCF-style: chr14-24710300-A-C.
Other names: c.425T>G, p.Met142Arg (NM_001363668.2); c.530T>G, p.Met177Arg (NM_012461.3); short protein forms M177R, M142R.
Identifiers: ClinVar variation 2037753 (VCV002037753.4), dbSNP rs2502460020, ClinGen allele CA389230887.
Genomic context (GRCh38, chr14:24,241,094, plus strand): 5'-CCCATGTCCACACCATATTGTCTCCAGGCAAGAGAAGAGGTGATAGAGACTCCAGGCTGC[A>C]TCCAACTCAGCACATCCTGAAGCTGTGGGCAGGGACAGAGGTATGAAGACCACAATCCTT-3'
Protein context (NP_001092744.1, residues 167-187): AQQLQDVLSW[Met177Arg]QPGVSITSSL